The following is an entry in ClinVar:

ClinVar aggregate classification (germline): Uncertain significance (1 of 4 stars; one submission).

gnomAD v4.1: 14 of 1,364,320 alleles (0.001%); highest among the groups gnomAD compares: Non-Finnish European, 0.0012%; no homozygotes.

Submission:

Labcorp Genetics (formerly Invitae), Labcorp
Classification: Uncertain significance. Last evaluated: 2024-08-14. Review status: criteria provided, single submitter. Criteria: Invitae Variant Classification Sherloc (09022015). Collection method: clinical testing. Allele origin: germline.
Comment: This sequence change replaces proline, which is neutral and non-polar, with leucine, which is neutral and non-polar, at codon 490 of the MAGEL2 protein (p.Pro490Leu). This variant is not present in population databases (gnomAD no frequency). This variant has not been reported in the literature in individuals affected with MAGEL2-related conditions. Invitae Evidence Modeling of protein sequence and biophysical properties (such as structural, functional, and spatial information, amino acid conservation, physicochemical variation, residue mobility, and thermodynamic stability) has been performed for this missense variant. However, the output from this modeling did not meet the statistical confidence thresholds required to predict the impact of this variant on MAGEL2 protein function. In summary, the available evidence is currently insufficient to determine the role of this variant in disease. Therefore, it has been classified as a Variant of Uncertain Significance.

NM_019066.5(MAGEL2):c.1469C>T (p.Pro490Leu)

Gene: MAGEL2 (MAGE family member L2; minus strand). Cytogenetic location: 15q11.2.
Variant type: single nucleotide variant.
Coding change: c.1469C>T on transcript NM_019066.5 (MANE Select); coding-DNA position 1469, C replaced by T.
Protein change: p.Pro490Leu; replaces proline 490 with leucine.
Molecular consequence: missense variant.
Genome position (GRCh38, 1-based): chr15:23,646,274, G>A on the plus strand (C>T on the coding strand, the complement: MAGEL2 is on the minus strand). VCF-style: chr15-23646274-G-A. GRCh37 (hg19) VCF-style: chr15-23891421-G-A.
Other names: short protein forms P490L.
Identifiers: ClinVar variation 3677938 (VCV003677938.2).